The following is an entry in ClinVar:

NM_000070.3(CAPN3):c.1006T>G (p.Tyr336Asp)

Gene: CAPN3 (calpain 3; plus strand). Cytogenetic location: 15q15.1.
Variant type: single nucleotide variant.
Coding change: c.1006T>G on transcript NM_000070.3 (MANE Select); coding-DNA position 1006, T replaced by G.
Protein change: p.Tyr336Asp; replaces tyrosine 336 with aspartic acid.
Molecular consequence: missense variant.
Genome position (GRCh38, 1-based): chr15:42,392,699, T>G. VCF-style: chr15-42392699-T-G. GRCh37 (hg19) VCF-style: chr15-42684897-T-G.
Other names: c.1006T>G, p.Tyr336Asp (NM_024344.2); c.862T>G, p.Tyr288Asp (NM_173087.2); short protein forms Y336D, Y288D.
Identifiers: ClinVar variation 536517 (VCV000536517.14), dbSNP rs745967703, ClinGen allele CA7511214.

ClinVar aggregate classification (germline): Conflicting classifications of pathogenicity. Review status: criteria provided, conflicting classifications (1 of 4 stars). 3 submissions from 3 submitters: Likely pathogenic (1); Uncertain significance (1). 1 of the submissions does not count toward it. Last evaluated 2024-10-14.

Conditions:
Autosomal recessive limb-girdle muscular dystrophy type 2A (LGMDR1). Also called: Limb-girdle muscular dystrophy, type 2A; MUSCULAR DYSTROPHY, PELVOFEMORAL; Calpainopathy; Muscular dystrophy, limb-girdle, type 2A, Amish; LEYDEN-MOEBIUS MUSCULAR DYSTROPHY. Identifiers: Orphanet 267, MedGen C1869123, MONDO:0009675, OMIM 253600. Disease mechanism: loss of function.

Allele frequency attached by ClinVar (database versions not stated): gnomAD exomes below 0.00001 and 0.00002; TOPMed below 0.00001; ExAC 0.00003.
gnomAD v4.1: 6 of 1,613,988 alleles (0.00037%); highest among the groups gnomAD compares: Non-Finnish European, 0.00034%; no homozygotes.

Submissions (3):

Labcorp Genetics (formerly Invitae), Labcorp
Classification: Likely pathogenic for Autosomal recessive limb-girdle muscular dystrophy type 2A. Last evaluated: 2024-10-14. Review status: criteria provided, single submitter. Criteria: Invitae Variant Classification Sherloc (09022015). Collection method: clinical testing. Allele origin: germline.
Comment: This sequence change replaces tyrosine, which is neutral and polar, with aspartic acid, which is acidic and polar, at codon 336 of the CAPN3 protein (p.Tyr336Asp). This variant is present in population databases (rs745967703, gnomAD 0.004%). This missense change has been observed in individual(s) with clinical features of autosomal recessive limb-girdle muscular dystrophy (internal data). In at least one individual the data is consistent with being in trans (on the opposite chromosome) from a pathogenic variant. ClinVar contains an entry for this variant (Variation ID: 536517). Invitae Evidence Modeling of protein sequence and biophysical properties (such as structural, functional, and spatial information, amino acid conservation, physicochemical variation, residue mobility, and thermodynamic stability) indicates that this missense variant is expected to disrupt CAPN3 protein function with a positive predictive value of 80%. This variant disrupts the p.Tyr336 amino acid residue in CAPN3. Other variant(s) that disrupt this residue have been observed in individuals with CAPN3-related conditions (PMID: 9266733), which suggests that this may be a clinically significant amino acid residue. In summary, the currently available evidence indicates that the variant is pathogenic, but additional data are needed to prove that conclusively. Therefore, this variant has been classified as Likely Pathogenic.

Blueprint Genetics
Classification: Uncertain significance. Last evaluated: 2021-07-29. Review status: criteria provided, single submitter. Criteria: ACMG Guidelines, 2015. Collection method: clinical testing. Allele origin: germline.

Natera, Inc.
Classification: Uncertain significance for Limb-girdle muscular dystrophy type 2A. Last evaluated: 2019-10-28. Review status: no assertion criteria provided. Collection method: clinical testing. Allele origin: germline. Not counted in ClinVar's aggregate classification.

Literature cited by the submitters: PubMed 9266733 (cited by Labcorp Genetics (formerly Invitae), Labcorp).